The following is an entry in ClinVar:

ClinVar aggregate classification (germline): Uncertain significance (1 of 4 stars; one submission).

Conditions:
SHORT syndrome. Also called: SHORT STATURE, HYPEREXTENSIBILITY, HERNIA, OCULAR DEPRESSION, RIEGER ANOMALY, AND TEETHING DELAY; PIK3R1-Related SHORT Syndrome; LIPODYSTROPHY, PARTIAL, WITH RIEGER ANOMALY AND SHORT STATURE. Identifiers: Orphanet 3163, MedGen C0878684, MONDO:0010026, OMIM 269880.
Agammaglobulinemia 7, autosomal recessive (AGM7). Also called: AGAMMAGLOBULINEMIA, AUTOSOMAL RECESSIVE, DUE TO PIK3R1 DEFECT. Identifiers: MedGen C3554689, MONDO:0014083, OMIM 615214.
Immunodeficiency 36 with lymphoproliferation. Also called: ACTIVATED PI3K-DELTA SYNDROME 2; Immunodeficiency 36; Activated PI3K Delta Syndrome Type 2 (APDS2). Identifiers: Orphanet 397596, Orphanet 693681, MedGen C4014934, MONDO:0014453, OMIM 616005.

Submission:

Labcorp Genetics (formerly Invitae), Labcorp
Classification: Uncertain significance for SHORT syndrome; Immunodeficiency 36 with lymphoproliferation; Agammaglobulinemia 7, autosomal recessive. Last evaluated: 2022-01-18. Review status: criteria provided, single submitter. Criteria: Invitae Variant Classification Sherloc (09022015). Collection method: clinical testing. Allele origin: germline.
Comment: This variant has not been reported in the literature in individuals affected with PIK3R1-related conditions. Algorithms developed to predict the effect of missense changes on protein structure and function (SIFT, PolyPhen-2, Align-GVGD) all suggest that this variant is likely to be tolerated. This sequence change replaces glutamic acid, which is acidic and polar, with lysine, which is basic and polar, at codon 300 of the PIK3R1 protein (p.Glu300Lys). This variant is not present in population databases (gnomAD no frequency). In summary, the available evidence is currently insufficient to determine the role of this variant in disease. Therefore, it has been classified as a Variant of Uncertain Significance.

NM_181523.3(PIK3R1):c.898G>A (p.Glu300Lys)

Gene: PIK3R1 (phosphoinositide-3-kinase regulatory subunit 1; plus strand). Cytogenetic location: 5q13.1.
Variant type: single nucleotide variant.
Coding change: c.898G>A on transcript NM_181523.3 (MANE Select); coding-DNA position 898, G replaced by A.
Protein change: p.Glu300Lys; replaces glutamic acid 300 with lysine.
Molecular consequence: missense variant.
Genome position (GRCh38, 1-based): chr5:68,280,988, G>A. VCF-style: chr5-68280988-G-A. GRCh37 (hg19) VCF-style: chr5-67576816-G-A.
Other names: short protein forms E300K.
Identifiers: ClinVar variation 2087671 (VCV002087671.4), dbSNP rs2530954016, ClinGen allele CA359875977.